The following is an entry in ClinVar:

NM_016373.4(WWOX):c.1112T>G (p.Leu371Arg)

Genes: MAF (MAF bZIP transcription factor; minus strand), WWOX (WW domain containing oxidoreductase; plus strand). Cytogenetic location: 16q23.2.
Variant type: single nucleotide variant.
Coding change: c.1112T>G on transcript NM_016373.4 (MANE Select); coding-DNA position 1112, T replaced by G.
Protein change: p.Leu371Arg; replaces leucine 371 with arginine.
Molecular consequence: missense variant.
Genome position (GRCh38, 1-based): chr16:79,211,663, T>G. VCF-style: chr16-79211663-T-G. GRCh37 (hg19) VCF-style: chr16-79245560-T-G.
Other names: c.773T>G, p.Leu258Arg (NM_001291997.2); short protein forms L258R, L371R.
Identifiers: ClinVar variation 1720623 (VCV001720623.6), dbSNP rs745846599, ClinGen allele CA396537065.
Genomic context (GRCh38, chr16:79,211,663, plus strand): 5'-TCCAGCAACAGGGAGCTGCCACCACCGTGTACTGTGCTGCTGTCCCAGAACTGGAGGGTC[T>G]GGGAGGGATGTACTTCAACAACTGCTGCCGCTGCATGCCCTCACCAGAAGCTCAGAGCGA-3'
Protein context (NP_057457.1, residues 361-381): YCAAVPELEG[Leu371Arg]GGMYFNNCCR

ClinVar aggregate classification (germline): Uncertain significance (1 of 4 stars; one submission).

Conditions:
Developmental and epileptic encephalopathy, 1 (DEE1). Also called: X-linked infantile spasms; West's syndrome; Tonic spasms with clustering, arrest of psychomotor development and hypsarrhythmia on EEG; X-Linked Infantile Spasm Syndrome; OHTAHARA SYNDROME, X-LINKED; INFANTILE SPASM SYNDROME, X-LINKED 1. Identifiers: MedGen C3463992, MONDO:0010632, OMIM 308350. Disease mechanism: loss of function.
Autosomal recessive spinocerebellar ataxia 12. Also called: SPINOCEREBELLAR ATAXIA WITH MENTAL RETARDATION AND EPILEPSY. Identifiers: Orphanet 284282, MedGen C3280452, MONDO:0013687, OMIM 614322.

Submission:

Labcorp Genetics (formerly Invitae), Labcorp
Classification: Uncertain significance for Developmental and epileptic encephalopathy, 1; Autosomal recessive spinocerebellar ataxia 12. Last evaluated: 2023-03-22. Review status: criteria provided, single submitter. Criteria: Invitae Variant Classification Sherloc (09022015). Collection method: clinical testing. Allele origin: germline.
Comment: In summary, the available evidence is currently insufficient to determine the role of this variant in disease. Therefore, it has been classified as a Variant of Uncertain Significance. Advanced modeling of protein sequence and biophysical properties (such as structural, functional, and spatial information, amino acid conservation, physicochemical variation, residue mobility, and thermodynamic stability) performed at Invitae indicates that this missense variant is not expected to disrupt WWOX protein function. ClinVar contains an entry for this variant (Variation ID: 1720623). This variant has not been reported in the literature in individuals affected with WWOX-related conditions. This variant is not present in population databases (gnomAD no frequency). This sequence change replaces leucine, which is neutral and non-polar, with arginine, which is basic and polar, at codon 371 of the WWOX protein (p.Leu371Arg).